The following is an entry in ClinVar:

NM_001374385.1(ATP8B1):c.3646_3647delinsTT (p.Gly1216Phe)

Genes: ATP8B1 (ATPase phospholipid transporting 8B1; minus strand), ATP8B1-AS1 (ATP8B1 antisense RNA 1; plus strand). Cytogenetic location: 18q21.31.
Variant type: Indel.
Coding change: c.3646_3647delinsTT on transcript NM_001374385.1 (MANE Select); coding-DNA positions 3646 to 3647, GG replaced by TT.
Protein change: p.Gly1216Phe; replaces glycine 1216 with phenylalanine.
Molecular consequence: missense variant.
Genome position (GRCh38, 1-based): chr18:57,648,597-57,648,598, CC replaced by AA on the plus strand (GG replaced by TT on the coding strand, the reverse complement: ATP8B1 is on the minus strand). VCF-style: chr18-57648597-CC-AA. GRCh37 (hg19) VCF-style: chr18-55315829-CC-AA.
Other names: c.3496_3497delinsTT, p.Gly1166Phe (NM_001374386.1); c.3646_3647delinsTT, p.Gly1216Phe (NM_005603.6); short protein forms G1166F, G1216F.
Identifiers: ClinVar variation 2692891 (VCV002692891.3), dbSNP rs2511602576, ClinGen allele CA2697555514.

ClinVar aggregate classification (germline): Uncertain significance (1 of 4 stars; one submission).

Submission:

Labcorp Genetics (formerly Invitae), Labcorp
Classification: Uncertain significance. Last evaluated: 2023-11-03. Review status: criteria provided, single submitter. Criteria: Invitae Variant Classification Sherloc (09022015). Collection method: clinical testing. Allele origin: germline.
Comment: This sequence change replaces glycine, which is neutral and non-polar, with phenylalanine, which is neutral and non-polar, at codon 1216 of the ATP8B1 protein (p.Gly1216Phe). Information on the frequency of this variant in the gnomAD database is not available, as this variant may be reported differently in the database. This variant has not been reported in the literature in individuals affected with ATP8B1-related conditions. An algorithm developed to predict the effect of missense changes on protein structure and function (PolyPhen-2) suggests that this variant is likely to be disruptive. In summary, the available evidence is currently insufficient to determine the role of this variant in disease. Therefore, it has been classified as a Variant of Uncertain Significance.